The following is an entry in ClinVar:

ClinVar aggregate classification (germline): Uncertain significance (1 of 4 stars; one submission).

Conditions:
Hereditary spastic paraplegia 48. Also called: Spastic paraplegia 48; SPASTIC PARAPLEGIA 48, AUTOSOMAL RECESSIVE. Identifiers: Orphanet 306511, MedGen C3150901, MONDO:0013342, OMIM 613647.

Allele frequency attached by ClinVar (database versions not stated): gnomAD 0.00001; gnomAD exomes 0.00001; TOPMed 0.00001.
gnomAD v4.1: 14 of 1,596,412 alleles (0.00088%); highest among the groups gnomAD compares: East Asian, 0.0045%; no homozygotes.

Submission:

Labcorp Genetics (formerly Invitae), Labcorp
Classification: Uncertain significance for Hereditary spastic paraplegia 48. Last evaluated: 2022-02-20. Review status: criteria provided, single submitter. Criteria: Invitae Variant Classification Sherloc (09022015). Collection method: clinical testing. Allele origin: germline.
Comment: In summary, the available evidence is currently insufficient to determine the role of this variant in disease. Therefore, it has been classified as a Variant of Uncertain Significance. Algorithms developed to predict the effect of missense changes on protein structure and function (SIFT, PolyPhen-2, Align-GVGD) all suggest that this variant is likely to be tolerated. This variant has not been reported in the literature in individuals affected with AP5Z1-related conditions. The frequency data for this variant in the population databases is considered unreliable, as metrics indicate poor data quality at this position in the gnomAD database. This sequence change replaces serine, which is neutral and polar, with glycine, which is neutral and non-polar, at codon 228 of the AP5Z1 protein (p.Ser228Gly).

NM_014855.3(AP5Z1):c.682A>G (p.Ser228Gly)

Gene: AP5Z1 (adaptor related protein complex 5 subunit zeta 1; plus strand). Cytogenetic location: 7p22.1.
Variant type: single nucleotide variant.
Coding change: c.682A>G on transcript NM_014855.3 (MANE Select); coding-DNA position 682, A replaced by G.
Protein change: p.Ser228Gly; replaces serine 228 with glycine.
Molecular consequence: missense variant. On other transcripts: non-coding transcript variant (1).
Genome position (GRCh38, 1-based): chr7:4,784,263, A>G. VCF-style: chr7-4784263-A-G. GRCh37 (hg19) VCF-style: chr7-4823894-A-G.
Other names: c.214A>G, p.Ser72Gly (NM_001364858.1); short protein forms S228G, S72G.
Identifiers: ClinVar variation 2198079 (VCV002198079.4), dbSNP rs1189185892, ClinGen allele CA366660310.